The following is an entry in ClinVar:

ClinVar aggregate classification (germline): Uncertain significance (1 of 4 stars; one submission).

Conditions:
ALMS1-related disorder. Also called: ALMS1-related condition.

Submission:

PreventionGenetics, part of Exact Sciences
Classification: Uncertain significance for ALMS1-related condition. Last evaluated: 2026-05-08. Review status: criteria provided, single submitter. Criteria: ACMG Guidelines, 2015. Collection method: clinical testing. Allele origin: germline.
Comment: The ALMS1 c.760C>G variant is predicted to result in the amino acid substitution p.Leu254Val. To our knowledge, this variant has not been reported in the literature. This variant is reported in 0.0065% of alleles in individuals of South Asian descent in gnomAD. At this time, the clinical significance of this variant is uncertain due to the absence of conclusive functional and genetic evidence.

NM_001378454.1(ALMS1):c.757C>G (p.Pro253Ala)

Gene: ALMS1 (ALMS1 centrosome and basal body associated protein; plus strand). Cytogenetic location: 2p13.1.
Variant type: single nucleotide variant.
Coding change: c.757C>G on transcript NM_001378454.1 (MANE Select); coding-DNA position 757, C replaced by G.
Protein change: p.Pro253Ala; replaces proline 253 with alanine.
Molecular consequence: missense variant.
Genome position (GRCh38, 1-based): chr2:73,422,967, C>G. VCF-style: chr2-73422967-C-G. GRCh37 (hg19) VCF-style: chr2-73650095-C-G.
Other names: c.760C>G, p.Pro254Ala (NM_015120.4); short protein forms P253A, P254A.
Identifiers: ClinVar variation 4984596 (VCV004984596.1).